The following is an entry in ClinVar:

NM_006206.6(PDGFRA):c.2327C>T (p.Ser776Leu)

Gene: PDGFRA (platelet derived growth factor receptor alpha; plus strand). Cytogenetic location: 4q12.
Variant type: single nucleotide variant.
Coding change: c.2327C>T on transcript NM_006206.6 (MANE Select); coding-DNA position 2327, C replaced by T.
Protein change: p.Ser776Leu; replaces serine 776 with leucine.
Molecular consequence: missense variant.
Genome position (GRCh38, 1-based): chr4:54,285,374, C>T. VCF-style: chr4-54285374-C-T. GRCh37 (hg19) VCF-style: chr4-55151541-C-T.
Other names: c.2402C>T, p.Ser801Leu (NM_001347828.2); c.2327C>T, p.Ser776Leu (NM_001347829.2); c.2366C>T, p.Ser789Leu (NM_001347830.2); short protein forms S776L, S789L, S801L.
Identifiers: ClinVar variation 4798406 (VCV004798406.2).
Genomic context (GRCh38, chr4:54,285,374, plus strand): 5'-AACCTGATGATTTCCTGCTGCCTGCCAGCACCAATACATTTAATTTCTTTTCTGCAGACT[C>T]AGAAGTCAAAAACCTCCTTTCAGATGATAACTCAGAAGGCCTTACTTTATTGGATTTGTT-3'
Protein context (NP_006197.1, residues 766-786): ASYKKKSMLD[Ser776Leu]EVKNLLSDDN

ClinVar aggregate classification (germline): Uncertain significance. Review status: criteria provided, multiple submitters, no conflicts (2 of 4 stars). 2 submissions from 2 submitters: Uncertain significance (2). Last evaluated 2026-07-22.

Conditions:
Hereditary cancer-predisposing syndrome. Also called: Hereditary Cancer Syndrome; Hereditary neoplastic syndrome; Neoplastic Syndromes, Hereditary; Tumor predisposition. Identifiers: Orphanet 140162, MedGen C0027672, MeSH D009386, MONDO:0015356.
Gastrointestinal stromal tumor. Also called: Gastrointestinal stroma tumor; Gastrointestinal stromal tumor, somatic. Identifiers: Orphanet 44890, MedGen C0238198, MeSH D046152, MONDO:0011719, OMIM 606764, HP:0100723.

Submissions (2):

Ambry Genetics
Classification: Uncertain significance for Hereditary cancer-predisposing syndrome. Last evaluated: 2026-07-22. Review status: criteria provided, single submitter. Criteria: Ambry Variant Classification Scheme 2023. Collection method: clinical testing. Allele origin: germline.
Comment: The p.S776L variant (also known as c.2327C>T), located in coding exon 16 of the PDGFRA gene, results from a C to T substitution at nucleotide position 2327. The serine at codon 776 is replaced by leucine, an amino acid with dissimilar properties. This amino acid position is conserved. In addition, this alteration is predicted to be tolerated by in silico analysis. Based on the available evidence, the clinical significance of this variant remains unclear.

Labcorp Genetics (formerly Invitae), Labcorp
Classification: Uncertain significance for Gastrointestinal stromal tumor. Last evaluated: 2025-04-27. Review status: criteria provided, single submitter. Criteria: Invitae Variant Classification Sherloc (09022015). Collection method: clinical testing. Allele origin: germline.
Comment: This sequence change replaces serine, which is neutral and polar, with leucine, which is neutral and non-polar, at codon 776 of the PDGFRA protein (p.Ser776Leu). This variant is not present in population databases (gnomAD no frequency). This variant has not been reported in the literature in individuals affected with PDGFRA-related conditions. Invitae Evidence Modeling of protein sequence and biophysical properties (such as structural, functional, and spatial information, amino acid conservation, physicochemical variation, residue mobility, and thermodynamic stability) indicates that this missense variant is not expected to disrupt PDGFRA protein function with a negative predictive value of 80%. In summary, the available evidence is currently insufficient to determine the role of this variant in disease. Therefore, it has been classified as a Variant of Uncertain Significance.